The following is an entry in ClinVar:

NM_001267550.2(TTN):c.44103T>C (p.Asp14701=)

Gene: TTN (titin; minus strand). Cytogenetic location: 2q31.2.
Variant type: single nucleotide variant.
Coding change: c.44103T>C on transcript NM_001267550.2 (MANE Select); coding-DNA position 44103, T replaced by C.
Protein change: p.Asp14701=; no amino-acid change (aspartic acid 14701 retained).
Molecular consequence: synonymous variant.
Genome position (GRCh38, 1-based): chr2:178,630,855, A>G on the plus strand (T>C on the coding strand, the complement: TTN is on the minus strand). VCF-style: chr2-178630855-A-G. GRCh37 (hg19) VCF-style: chr2-179495582-A-G.
Other names: c.39180T>C, p.Asp13060= (NM_001256850.1); c.16908T>C, p.Asp5636= (NM_003319.4); c.36399T>C, p.Asp12133= (NM_133378.4); c.17283T>C, p.Asp5761= (NM_133432.3); c.17484T>C, p.Asp5828= (NM_133437.4).
Identifiers: ClinVar variation 4823641 (VCV004823641.4).
Genomic context (GRCh38, chr2:178,630,855, plus strand): 5'-TAGCCTTACAGGTGTTTGGAGTAGGGCCTCTCCCTTGAGTTTCCAGTTGGCGTGGATATC[A>G]TCTTCAGAGATTTCGGTTTCAAAGCGTGCTGTCTCAGTCTCCATCACCTCCACACTGTGC-3'
Protein context (NP_001254479.2, residues 14691-14711): TARFETEISE[Asp14701=]DIHANWKLKG

ClinVar aggregate classification (germline): Likely benign (1 of 4 stars; one submission).

gnomAD v4.1: 1 of 1,613,342 alleles (0.000062%); highest among the groups gnomAD compares: Non-Finnish European, 0.000085%; no homozygotes.

Submission:

CeGaT Center for Human Genetics Tuebingen
Classification: Likely benign. Last evaluated: 2026-03-01. Review status: criteria provided, single submitter. Criteria: CeGaT Center For Human Genetics Tuebingen Variant Classification Criteria Version 2. Collection method: clinical testing. Allele origin: germline. Affected: yes. Observed: 1 variant allele.
Comment: TTN: BP4, BP7